The following is an entry in ClinVar:

ClinVar aggregate classification (germline): Uncertain significance. Review status: criteria provided, multiple submitters, no conflicts (2 of 4 stars). 5 submissions from 5 submitters: Uncertain significance (5). Last evaluated 2026-09-30.

Conditions:
Brachyolmia-amelogenesis imperfecta syndrome. Also called: PLATYSPONDYLY WITH AMELOGENESIS IMPERFECTA; Tooth agenesis, selective, 6; Dental anomalies and short stature. Identifiers: Orphanet 2899, MedGen C1832594, MONDO:0011018, OMIM 601216. Disease mechanism: loss of function.
Inborn genetic diseases. Identifiers: MedGen C0950123, MeSH D030342.

Allele frequency attached by ClinVar (database versions not stated): 1000 Genomes Project 30x 0.00016; 1000 Genomes Project 0.00020; TOPMed 0.00020; gnomAD exomes 0.00025; ExAC below 0.00001.
gnomAD v4.1: 890 of 1,484,904 alleles (0.06%); highest among the groups gnomAD compares: Non-Finnish European, 0.077%; 1 homozygote.

Submissions (5):

GeneDx
Classification: Uncertain significance. Last evaluated: 2026-09-30. Review status: criteria provided, single submitter. Criteria: GeneDx Variant Classification Process June 2021. Collection method: clinical testing. Allele origin: germline.
Comment: In silico analysis supports that this missense variant has a deleterious effect on protein structure/function; Has not been previously published in association with an LTBP3-related disorder to our knowledge; This variant is associated with the following publications: (PMID: 34662886)

Labcorp Genetics (formerly Invitae), Labcorp
Classification: Uncertain significance for Brachyolmia-amelogenesis imperfecta syndrome. Last evaluated: 2026-02-01. Review status: criteria provided, single submitter. Criteria: Invitae Variant Classification Sherloc (09022015). Collection method: clinical testing. Allele origin: germline.
Comment: This sequence change replaces glycine, which is neutral and non-polar, with serine, which is neutral and polar, at codon 1287 of the LTBP3 protein (p.Gly1287Ser). This variant is present in population databases (rs536370608, gnomAD 0.05%). This variant has not been reported in the literature in individuals affected with LTBP3-related conditions. ClinVar contains an entry for this variant (Variation ID: 863618). An algorithm developed to predict the effect of missense changes on protein structure and function (PolyPhen-2) suggests that this variant is likely to be disruptive. In summary, the available evidence is currently insufficient to determine the role of this variant in disease. Therefore, it has been classified as a Variant of Uncertain Significance.

Mayo Clinic Laboratories, Mayo Clinic
Classification: Uncertain significance. Last evaluated: 2025-03-10. Review status: criteria provided, single submitter. Criteria: ACMG Guidelines, 2015. Collection method: clinical testing. Allele origin: germline. Observed: 1 variant allele.
Comment: PP3_moderate

Ambry Genetics
Classification: Uncertain significance for Inborn genetic diseases. Last evaluated: 2021-08-23. Review status: criteria provided, single submitter. Criteria: Ambry Variant Classification Scheme 2023. Collection method: clinical testing. Allele origin: germline.

Institute for Clinical Genetics, University Hospital TU Dresden, University Hospital TU Dresden
Classification: Uncertain significance. Last evaluated: 2020-09-28. Review status: criteria provided, single submitter. Criteria: ACMG Guidelines, 2015. Collection method: clinical testing. Allele origin: maternal.

Literature cited by the submitters: PubMed 34662886 (cited by Mayo Clinic Laboratories, Mayo Clinic).

NM_001130144.3(LTBP3):c.3859G>A (p.Gly1287Ser)

Genes: LTBP3 (latent transforming growth factor beta binding protein 3; minus strand), SCYL1 (SCY1 like pseudokinase 1; plus strand). Cytogenetic location: 11q13.1.
Variant type: single nucleotide variant.
Coding change: c.3859G>A on transcript NM_001130144.3 (MANE Select); coding-DNA position 3859, G replaced by A.
Protein change: p.Gly1287Ser; replaces glycine 1287 with serine.
Molecular consequence: missense variant.
Genome position (GRCh38, 1-based): chr11:65,539,133, C>T on the plus strand (G>A on the coding strand, the complement: LTBP3 is on the minus strand). VCF-style: chr11-65539133-C-T. GRCh37 (hg19) VCF-style: chr11-65306604-C-T.
Other names: p.Gly1287Ser; c.3367G>A, p.Gly1123Ser (NM_001164266.1); c.3718G>A, p.Gly1240Ser (NM_021070.4); short protein forms G1123S, G1287S, G1240S.
Identifiers: ClinVar variation 863618 (VCV000863618.13), dbSNP rs536370608, ClinGen allele CA6100172.
Genomic context (GRCh38, chr11:65,539,133, plus strand): 5'-GGCGGCGTCAGCGGCGGCGCTGGGGAACGCAGGCCCCGTGCGGGCGGCTGCGCGCGAAGC[C>T]GGCTTTGCAGACGCAGCGGAAGGAGCCGCTGGTGTTCACGCAGCGCTCGCTCTTGCACAG-3'
Protein context (NP_001123616.1, residues 1277-1297): SGSFRCVCKA[Gly1287Ser]FARSRPHGAC